The following is an entry in ClinVar:

NM_022455.5(NSD1):c.4978C>T (p.Arg1660Cys)

Gene: NSD1 (nuclear receptor binding SET domain protein 1; plus strand). Cytogenetic location: 5q35.3.
Variant type: single nucleotide variant.
Coding change: c.4978C>T on transcript NM_022455.5 (MANE Select); coding-DNA position 4978, C replaced by T.
Protein change: p.Arg1660Cys; replaces arginine 1660 with cysteine.
Molecular consequence: missense variant.
Genome position (GRCh38, 1-based): chr5:177,260,000, C>T. VCF-style: chr5-177260000-C-T. GRCh37 (hg19) VCF-style: chr5-176687001-C-T.
Other names: c.4105C>T, p.Arg1369Cys (NM_001365684.2, NM_001409308.1, NM_001409309.1 and 1 more transcripts); c.4978C>T, p.Arg1660Cys (NM_001409301.1, NM_001409302.1, NM_001409303.1); c.4558C>T, p.Arg1520Cys (NM_001409304.1); c.4225C>T, p.Arg1409Cys (NM_001409305.1); c.4216C>T, p.Arg1406Cys (NM_001409306.1, NM_001409307.1); short protein forms R1369C, R1406C, R1409C, R1520C, R1660C.
Identifiers: ClinVar variation 3364493 (VCV003364493.1).
Genomic context (GRCh38, chr5:177,260,000, plus strand): 5'-TTTAATATTTTTGTTTTTCTTTTGCTTGTCCCTGATTTTCCTGCTTTAGGTCGGTTGATG[C>T]GCTGTGTCCGCTGTCCTGTGGCATACCACGCCAATGACTTTTGCCTGGCTGCTGGGTCAA-3'
Protein context (NP_071900.2, residues 1650-1670): NVSASKGRLM[Arg1660Cys]CVRCPVAYHA

ClinVar aggregate classification (germline): Uncertain significance (1 of 4 stars; one submission).

gnomAD v4.1: 1 of 1,614,080 alleles (0.000062%); highest among the groups gnomAD compares: Non-Finnish European, 0.000085%; no homozygotes.

Submission:

GeneDx
Classification: Uncertain significance. Last evaluated: 2023-12-05. Review status: criteria provided, single submitter. Criteria: GeneDx Variant Classification Process June 2021. Collection method: clinical testing. Allele origin: germline. Affected: yes.
Comment: Not observed at significant frequency in large population cohorts (gnomAD); In silico analysis supports that this missense variant has a deleterious effect on protein structure/function; Has not been previously published as pathogenic or benign to our knowledge